The following is an entry in ClinVar:

NM_000179.3(MSH6):c.407A>G (p.Asp136Gly)

Gene: MSH6 (mutS homolog 6; plus strand). Cytogenetic location: 2p16.3.
Variant type: single nucleotide variant.
Coding change: c.407A>G on transcript NM_000179.3 (MANE Select); coding-DNA position 407, A replaced by G.
Protein change: p.Asp136Gly; replaces aspartic acid 136 with glycine.
Molecular consequence: missense variant. On other transcripts: 5 prime UTR variant (2), intron variant (1).
Genome position (GRCh38, 1-based): chr2:47,791,073, A>G. VCF-style: chr2-47791073-A-G. GRCh37 (hg19) VCF-style: chr2-48018212-A-G.
Other names: c.-330A>G (NM_001281493.2); c.-496A>G (NM_001281494.2); c.238-7538A>G (NM_001281492.2); short protein forms D136G.
Identifiers: ClinVar variation 1320685 (VCV001320685.5), dbSNP rs1668699683, ClinGen allele CA346737105.

ClinVar aggregate classification (germline): Uncertain significance. Review status: criteria provided, multiple submitters, no conflicts (2 of 4 stars). 3 submissions from 3 submitters: Uncertain significance (3). Last evaluated 2025-12-15.

Conditions:
Hereditary cancer-predisposing syndrome. Also called: Hereditary neoplastic syndrome; Neoplastic Syndromes, Hereditary; Tumor predisposition; Hereditary Cancer Syndrome. Identifiers: Orphanet 140162, MedGen C0027672, MeSH D009386, MONDO:0015356.

Allele frequency attached by ClinVar (database versions not stated): TOPMed below 0.00001.

Submissions (3):

Color Diagnostics, LLC DBA Color Health
Classification: Uncertain significance for Hereditary cancer-predisposing syndrome. Last evaluated: 2025-12-15. Review status: criteria provided, single submitter. Criteria: ACMG Guidelines, 2015. Collection method: clinical testing. Allele origin: germline.
Comment: This missense variant replaces aspartic acid with glycine at codon 136 of the MSH6 protein. Computational prediction is inconclusive regarding the impact of this variant on protein structure and function. To our knowledge, functional studies have not been reported for this variant. This variant has not been reported in individuals affected with MSH6-related disorders in the literature. This variant has not been identified in the general population by the Genome Aggregation Database (gnomAD). The available evidence is insufficient to determine the role of this variant in disease conclusively. Therefore, this variant is classified as a Variant of Uncertain Significance.

GeneDx
Classification: Uncertain significance. Last evaluated: 2021-05-05. Review status: criteria provided, single submitter. Criteria: GeneDx Variant Classification Process June 2021. Collection method: clinical testing. Allele origin: germline. Affected: yes.
Comment: Not observed in large population cohorts (Lek 2016); In silico analysis supports that this missense variant has a deleterious effect on protein structure/function; Has not been previously published as pathogenic or benign to our knowledge

Ambry Genetics
Classification: Uncertain significance for Hereditary cancer-predisposing syndrome. Last evaluated: 2019-12-09. Review status: criteria provided, single submitter. Criteria: Ambry Variant Classification Scheme 2023. Collection method: clinical testing. Allele origin: germline.
Comment: The p.D136G variant (also known as c.407A>G), located in coding exon 2 of the MSH6 gene, results from an A to G substitution at nucleotide position 407. The aspartic acid at codon 136 is replaced by glycine, an amino acid with similar properties. This amino acid position is not well conserved in available vertebrate species. In addition, this alteration is predicted to be tolerated by in silico analysis. Since supporting evidence is limited at this time, the clinical significance of this alteration remains unclear.